The following is an entry in ClinVar:

ClinVar aggregate classification (germline): Uncertain significance. Review status: criteria provided, multiple submitters, no conflicts (2 of 4 stars). 2 submissions from 2 submitters: Uncertain significance (2). Last evaluated 2026-02-26.

Conditions:
Cardiovascular phenotype. Identifiers: MedGen CN230736.
TTN-related disorder. Also called: TTN-related disorders; TTN-related condition; TTN-related disease.

Allele frequency attached by ClinVar (database versions not stated): gnomAD exomes 0.00001.
gnomAD v4.1: 16 of 1,613,304 alleles (0.00099%); highest among the groups gnomAD compares: Non-Finnish European, 0.0014%; no homozygotes.

Submissions (2):

PreventionGenetics, part of Exact Sciences
Classification: Uncertain significance for TTN-related condition. Last evaluated: 2026-02-26. Review status: criteria provided, single submitter. Criteria: ACMG Guidelines, 2015. Collection method: clinical testing. Allele origin: germline.
Comment: The TTN c.43025T>C variant is predicted to result in the amino acid substitution p.Leu14342Pro. To our knowledge, this variant has not been reported in the literature. This variant is reported in 0.0018% of alleles in individuals of European (Non-Finnish) descent in gnomAD. At this time, the clinical significance of this variant is uncertain due to the absence of conclusive functional and genetic evidence.

Ambry Genetics
Classification: Uncertain significance for Cardiovascular phenotype. Last evaluated: 2019-09-16. Review status: criteria provided, single submitter. Criteria: Ambry Variant Classification Scheme 2023. Collection method: clinical testing. Allele origin: germline.
Comment: The p.L5277P variant (also known as c.15830T>C), located in coding exon 60 of the TTN gene, results from a T to C substitution at nucleotide position 15830. The leucine at codon 5277 is replaced by proline, an amino acid with similar properties. This amino acid position is not well conserved in available vertebrate species. In addition, the in silico prediction for this alteration is inconclusive. Since supporting evidence is limited at this time, the clinical significance of this alteration remains unclear.

NM_001267550.2(TTN):c.43025T>C (p.Leu14342Pro)

Gene: TTN (titin; minus strand). Cytogenetic location: 2q31.2.
Variant type: single nucleotide variant.
Coding change: c.43025T>C on transcript NM_001267550.2 (MANE Select); coding-DNA position 43025, T replaced by C.
Protein change: p.Leu14342Pro; replaces leucine 14342 with proline.
Molecular consequence: missense variant.
Genome position (GRCh38, 1-based): chr2:178,633,248, A>G on the plus strand (T>C on the coding strand, the complement: TTN is on the minus strand). VCF-style: chr2-178633248-A-G. GRCh37 (hg19) VCF-style: chr2-179497975-A-G.
Other names: c.16205T>C, p.Leu5402Pro (NM_133432.3); c.16406T>C, p.Leu5469Pro (NM_133437.4); c.38102T>C, p.Leu12701Pro (NM_001256850.1); c.15830T>C, p.Leu5277Pro (NM_003319.4); c.35321T>C, p.Leu11774Pro (NM_133378.4); short protein forms L12701P, L5277P, L5469P, L11774P, L5402P, L14342P.
Identifiers: ClinVar variation 1775745 (VCV001775745.3), dbSNP rs1055213360, ClinGen allele CA61004062.